The following is an entry in ClinVar:

NM_006231.4(POLE):c.1074C>G (p.Ile358Met)

Gene: POLE (DNA polymerase epsilon, catalytic subunit; minus strand). Cytogenetic location: 12q24.33.
Variant type: single nucleotide variant.
Coding change: c.1074C>G on transcript NM_006231.4 (MANE Select); coding-DNA position 1074, C replaced by G.
Protein change: p.Ile358Met; replaces isoleucine 358 with methionine.
Molecular consequence: missense variant.
Genome position (GRCh38, 1-based): chr12:132,675,767, G>C on the plus strand (C>G on the coding strand, the complement: POLE is on the minus strand). VCF-style: chr12-132675767-G-C. GRCh37 (hg19) VCF-style: chr12-133252353-G-C.
Other names: short protein forms I358M.
Identifiers: ClinVar variation 3781532 (VCV003781532.1).

ClinVar aggregate classification (germline): Uncertain significance (1 of 4 stars; one submission).

Conditions:
Hereditary cancer-predisposing syndrome. Also called: Neoplastic Syndromes, Hereditary; Hereditary Cancer Syndrome; Tumor predisposition; Hereditary neoplastic syndrome. Identifiers: Orphanet 140162, MedGen C0027672, MeSH D009386, MONDO:0015356.

Submission:

Ambry Genetics
Classification: Uncertain significance for Hereditary cancer-predisposing syndrome. Last evaluated: 2024-12-15. Review status: criteria provided, single submitter. Criteria: Ambry Variant Classification Scheme 2023. Collection method: clinical testing. Allele origin: germline.
Comment: The p.I358M variant (also known as c.1074C>G), located in coding exon 11 of the POLE gene, results from a C to G substitution at nucleotide position 1074. The isoleucine at codon 358 is replaced by methionine, an amino acid with highly similar properties. This amino acid position is conserved. In addition, this alteration is predicted to be tolerated by in silico analysis. Based on the available evidence, the clinical significance of this variant remains unclear.